The following is an entry in ClinVar:

ClinVar aggregate classification (germline): Uncertain significance. Review status: criteria provided, multiple submitters, no conflicts (2 of 4 stars). 2 submissions from 2 submitters: Uncertain significance (2). Last evaluated 2025-04-02.

Conditions:
Hypercholesterolemia, autosomal dominant, 3 (FHCL3). Also called: Familial Hypercholesterolemia, Autosomal Dominant, 3; PCSK9-Related Familial Hypercholesterolemia, Autosomal Dominant; Familial hypercholesterolemia 3. Identifiers: MedGen C1863551, MONDO:0011369, OMIM 603776.

Submissions (2):

GeneDx
Classification: Uncertain significance. Last evaluated: 2025-04-02. Review status: criteria provided, single submitter. Criteria: GeneDx Variant Classification Process June 2021. Collection method: clinical testing. Allele origin: germline. Affected: yes.
Comment: Not observed at significant frequency in large population cohorts (gnomAD); In silico analysis supports that this missense variant has a deleterious effect on protein structure/function; Has not been previously published as pathogenic or benign to our knowledge

All of Us Research Program, National Institutes of Health
Classification: Uncertain significance for Hypercholesterolemia, autosomal dominant, 3. Last evaluated: 2024-02-22. Review status: criteria provided, single submitter. Criteria: ACMG Guidelines, 2015. Collection method: clinical testing. Allele origin: germline. Inheritance: Autosomal dominant inheritance. Observed: 1 variant allele, 1 heterozygote.
Comment: This missense variant replaces proline with leucine at codon 288 of the PCSK9 protein. Computational prediction is inconclusive regarding the impact of this variant on protein structure and function (internally defined REVEL score threshold 0.5 < inconclusive < 0.7, PMID: 27666373). To our knowledge, functional studies have not been reported for this variant. This variant has not been reported in individuals affected with PCSK9-related disorders in the literature. This variant has been identified in 2/240030 chromosomes in the general population by the Genome Aggregation Database (gnomAD). The available evidence is insufficient to determine the role of this variant in disease conclusively. Therefore, this variant is classified as a Variant of Uncertain Significance.

This study involves interpretation of variants in research participants for the purpose of population health screening. Participant phenotype was not available at the time of variant classification. Additional details can be found in publication PMID: 35346344, PMCID: PMC8962531

NM_174936.4(PCSK9):c.863C>T (p.Pro288Leu)

Gene: PCSK9 (proprotein convertase subtilisin/kexin type 9; plus strand). Cytogenetic location: 1p32.3.
Variant type: single nucleotide variant.
Coding change: c.863C>T on transcript NM_174936.4 (MANE Select); coding-DNA position 863, C replaced by T.
Protein change: p.Pro288Leu; replaces proline 288 with leucine.
Molecular consequence: missense variant. On other transcripts: non-coding transcript variant (8).
Genome position (GRCh38, 1-based): chr1:55,056,056, C>T. VCF-style: chr1-55056056-C-T. GRCh37 (hg19) VCF-style: chr1-55521729-C-T.
Other names: c.866C>T, p.Pro289Leu (NM_001407242.1); c.806C>T, p.Pro269Leu (NM_001407243.1); c.863C>T, p.Pro288Leu (NM_001407244.1, NM_001407247.1, NM_001407241.1); c.671C>T, p.Pro224Leu (NM_001407245.1); c.488C>T, p.Pro163Leu (NM_001407246.1); c.986C>T, p.Pro329Leu (NM_001407240.1); short protein forms P163L, P224L, P269L, P288L, P289L, P329L.
Identifiers: ClinVar variation 3387435 (VCV003387435.2).
Genomic context (GRCh38, chr1:55,056,056, plus strand): 5'-TGGAGTTTATTCGGAAAAGCCAGCTGGTCCAGCCTGTGGGGCCACTGGTGGTGCTGCTGC[C>T]CCTGGCGGGTGGGTACAGCCGCGTCCTCAACGCCGCCTGCCAGCGCCTGGCGAGGGCTGG-3'
Protein context (NP_777596.2, residues 278-298): QPVGPLVVLL[Pro288Leu]LAGGYSRVLN